The following is an entry in ClinVar:

NM_152263.4(TPM3):c.484A>G (p.Lys162Glu)

Gene: TPM3 (tropomyosin 3; minus strand). Cytogenetic location: 1q21.3.
Variant type: single nucleotide variant.
Coding change: c.484A>G on transcript NM_152263.4 (MANE Select); coding-DNA position 484, A replaced by G.
Protein change: p.Lys162Glu; replaces lysine 162 with glutamic acid.
Molecular consequence: missense variant. On other transcripts: non-coding transcript variant (1).
Genome position (GRCh38, 1-based): chr1:154,173,095, T>C on the plus strand (A>G on the coding strand, the complement: TPM3 is on the minus strand). VCF-style: chr1-154173095-T-C. GRCh37 (hg19) VCF-style: chr1-154145571-T-C.
Other names: c.175A>G, p.Lys59Glu (NM_001278188.2); c.373A>G, p.Lys125Glu (NM_001278189.2, NM_001278190.2, NM_001349679.2 and 5 more transcripts); c.103A>G, p.Lys35Glu (NM_001278191.2); c.484A>G, p.Lys162Glu (NM_001364679.2, NM_001364680.2, NM_001364681.2 and 1 more transcripts); short protein forms K125E, K162E, K35E, K59E.
Identifiers: ClinVar variation 4281777 (VCV004281777.1).

ClinVar aggregate classification (germline): Uncertain significance (1 of 4 stars; one submission).

Submission:

GeneDx
Classification: Uncertain significance. Last evaluated: 2025-04-07. Review status: criteria provided, single submitter. Criteria: GeneDx Variant Classification Process June 2021. Collection method: clinical testing. Allele origin: germline. Affected: yes.
Comment: Not observed at significant frequency in large population cohorts (gnomAD); In silico analysis supports that this missense variant has a deleterious effect on protein structure/function; Has not been previously published as pathogenic or benign to our knowledge